The following is an entry in ClinVar:

ClinVar aggregate classification (germline): Likely benign (0 of 4 stars; one submission).

Conditions:
NEBL-related disorder. Also called: NEBL-related condition.

Submission:

PreventionGenetics, part of Exact Sciences
Classification: Likely benign for NEBL-related condition. Last evaluated: 2019-12-09. Review status: no assertion criteria provided. Collection method: clinical testing. Allele origin: germline.
Comment: This variant is classified as likely benign based on ACMG/AMP sequence variant interpretation guidelines (Richards et al. 2015 PMID: 25741868, with internal and published modifications).

NM_006393.3(NEBL):c.259-9_259-8dup

Gene: NEBL (nebulette; minus strand). Cytogenetic location: 10p12.31.
Variant type: Duplication.
Coding change: c.259-9_259-8dup on transcript NM_006393.3 (MANE Select); 9 bases into the intron before coding-DNA position 259 through 8 bases into the intron before coding-DNA position 259, 2 bases duplicated (TT; older notation c.259-9_259-8dupTT).
Molecular consequence: intron variant.
Genome position (GRCh38, 1-based): chr10:20,888,215-20,888,216, AA duplicated on the plus strand (TT on the coding strand, the reverse complement: NEBL is on the minus strand); duplicating any 2 consecutive bases within chr10:20,888,215-20,888,223 gives the same sequence; the c. name uses the placement nearest the transcript's 3' end. VCF-style (leftmost placement, unchanged base first): chr10-20888214-G-GAA. GRCh37 (hg19) VCF-style: chr10-21177143-G-GAA.
Other names: c.249+73456_249+73457dup (NM_001377326.1, NM_001377327.1, NM_001377328.1); c.357+73456_357+73457dup (NM_213569.2, NM_001173484.2, NM_001377322.1); c.300+73456_300+73457dup (NM_001377324.1); c.291+73456_291+73457dup (NM_001377325.1); c.309+73456_309+73457dup (NM_001377323.1).
Identifiers: ClinVar variation 3048372 (VCV003048372.2), dbSNP rs57918610, ClinGen allele CA591872816.